The following is an entry in ClinVar:

NM_015662.3(IFT172):c.1664C>T (p.Pro555Leu)

Gene: IFT172 (intraflagellar transport 172; minus strand). Cytogenetic location: 2p23.3.
Variant type: single nucleotide variant.
Coding change: c.1664C>T on transcript NM_015662.3 (MANE Select); coding-DNA position 1664, C replaced by T.
Protein change: p.Pro555Leu; replaces proline 555 with leucine.
Molecular consequence: missense variant.
Genome position (GRCh38, 1-based): chr2:27,470,956, G>A on the plus strand (C>T on the coding strand, the complement: IFT172 is on the minus strand). VCF-style: chr2-27470956-G-A. GRCh37 (hg19) VCF-style: chr2-27693823-G-A.
Other names: c.1598C>T, p.Pro533Leu (NM_001410739.1); short protein forms P533L, P555L.
Identifiers: ClinVar variation 3350795 (VCV003350795.1).

ClinVar aggregate classification (germline): Uncertain significance (0 of 4 stars; one submission).

Conditions:
IFT172-related disorder. Also called: IFT172-related disorders; IFT172-related condition.

gnomAD v4.1: 1 of 1,609,092 alleles (0.000062%); highest among the groups gnomAD compares: Non-Finnish European, 0.000085%; no homozygotes.

Submission:

PreventionGenetics, part of Exact Sciences
Classification: Uncertain significance for IFT172-related condition. Last evaluated: 2024-04-17. Review status: no assertion criteria provided. Collection method: clinical testing. Allele origin: germline.
Comment: The IFT172 c.1664C>T variant is predicted to result in the amino acid substitution p.Pro555Leu. To our knowledge, this variant has not been reported in the literature or in a large population database, indicating this variant is rare. At this time, the clinical significance of this variant is uncertain due to the absence of conclusive functional and genetic evidence.